The following is an entry in ClinVar:

NM_172107.4(KCNQ2):c.514+5G>C

Gene: KCNQ2 (potassium voltage-gated channel subfamily Q member 2; minus strand). Cytogenetic location: 20q13.33.
Variant type: single nucleotide variant.
Coding change: c.514+5G>C on transcript NM_172107.4 (MANE Select); 5 bases into the intron after coding-DNA position 514, G replaced by C.
Molecular consequence: intron variant.
Genome position (GRCh38, 1-based): chr20:63,445,233, C>G on the plus strand (G>C on the coding strand, the complement: KCNQ2 is on the minus strand). VCF-style: chr20-63445233-C-G. GRCh37 (hg19) VCF-style: chr20-62076586-C-G.
Other names: c.514+5G>C (NM_004518.6, NM_172108.5, NM_172106.3 and 2 more transcripts).
Identifiers: ClinVar variation 1215841 (VCV001215841.3), dbSNP rs2081377457, ClinGen allele CA2499225805.

ClinVar aggregate classification (germline): Likely pathogenic (1 of 4 stars; one submission).

Allele frequency attached by ClinVar (database versions not stated): gnomAD exomes below 0.00001.
gnomAD v4.1: 1 of 1,613,918 alleles (0.000062%); highest among the groups gnomAD compares: Non-Finnish European, 0.000085%; no homozygotes.

Submission:

GeneDx
Classification: Likely pathogenic. Last evaluated: 2020-09-22. Review status: criteria provided, single submitter. Criteria: GeneDx Variant Classification Process June 2021. Collection method: clinical testing. Allele origin: germline. Affected: yes.
Comment: Intronic +5 splice site variant in a gene for which loss-of-function is a known mechanism of disease, and both in silico predictors and evolutionary conservation support a deleterious effect; Not observed in large population cohorts (Lek et al., 2016); Has not been previously published as pathogenic or benign to our knowledge